The following is an entry in ClinVar:

NM_000535.7(PMS2):c.163+2T>A

Gene: PMS2 (PMS1 homolog 2, mismatch repair system component; minus strand). Cytogenetic location: 7p22.1.
Variant type: single nucleotide variant.
Coding change: c.163+2T>A on transcript NM_000535.7 (MANE Select); the canonical splice donor site of the intron after coding-DNA position 163, T replaced by A.
Molecular consequence: splice donor variant. On other transcripts: intron variant (7).
Genome position (GRCh38, 1-based): chr7:6,005,890, A>T on the plus strand (T>A on the coding strand, the complement: PMS2 is on the minus strand). VCF-style: chr7-6005890-A-T. GRCh37 (hg19) VCF-style: chr7-6045521-A-T.
Other names: c.163+2T>A (NM_001406870.1, NM_001406872.1, NM_001406871.1 and 10 more transcripts); c.-322+2T>A (NM_001406878.1, NM_001406882.1, NM_001406875.1 and 2 more transcripts); c.-243+2T>A (NM_001406891.1, NM_001406893.1, NM_001406898.1 and 10 more transcripts); c.-190+2T>A (NM_001406899.1, NM_001406894.1, NM_001406904.1 and 5 more transcripts); c.349+2T>A (NM_001406866.1); c.-52-1832T>A (NM_001322008.2); c.-218-1832T>A (NM_001406881.1); c.-189-1832T>A (NM_001406895.1); and 7 more.
Identifiers: ClinVar variation 1776812 (VCV001776812.3), dbSNP rs587779329, ClinGen allele CA366744939.

ClinVar aggregate classification (germline): Likely pathogenic (1 of 4 stars; one submission).

Conditions:
Hereditary cancer-predisposing syndrome. Also called: Tumor predisposition; Hereditary Cancer Syndrome; Hereditary neoplastic syndrome; Neoplastic Syndromes, Hereditary. Identifiers: Orphanet 140162, MedGen C0027672, MeSH D009386, MONDO:0015356.

Submission:

Ambry Genetics
Classification: Likely pathogenic for Hereditary cancer-predisposing syndrome. Last evaluated: 2025-12-31. Review status: criteria provided, single submitter. Criteria: Ambry Variant Classification Scheme 2023. Collection method: clinical testing. Allele origin: germline.
Comment: The c.163+2T>A intronic variant results from a T to A substitution two nucleotides after coding exon 2 in the PMS2 gene. In silico splice site analysis predicts that this alteration will weaken the native splice donor site. The stop codon in the predicted resulting transcript occurs in the 5' end ofthe gene. As such, this alteration may escape nonsense-mediated mRNAdecay and/or be prone to rescue by reinitiation (Rivas et al. Science. 2015 May 8;348(6235):666-9; Lindeboom et al. Nat Genet. 2016 Oct;48(10):1112-8; Rhee et al. Sci Rep. 2017 May 10;7(1):1653). The exact functional effect of this alteration is unknown; however, a significant portion of the protein is affected (Ambry internal data). Other variant(s) impacting the same donor site (c.163+1G>A) have been identified in individual(s) with features consistent with lynch syndrome (Ambry internal data). This variant is considered to be rare based on population cohorts in the Genome Aggregation Database (gnomAD). This nucleotide position is well conserved in available vertebrate species. Based on the majority of available evidence to date, this variant is likely to be pathogenic.